The following is an entry in ClinVar:

ClinVar aggregate classification (germline): Uncertain significance (1 of 4 stars; one submission).

Submission:

Labcorp Genetics (formerly Invitae), Labcorp
Classification: Uncertain significance. Last evaluated: 2022-06-18. Review status: criteria provided, single submitter. Criteria: Invitae Variant Classification Sherloc (09022015). Collection method: clinical testing. Allele origin: germline.
Comment: In summary, the available evidence is currently insufficient to determine the role of this variant in disease. Therefore, it has been classified as a Variant of Uncertain Significance. Algorithms developed to predict the effect of missense changes on protein structure and function output the following: SIFT: "Tolerated"; PolyPhen-2: "Benign"; Align-GVGD: "Class C0". The asparagine amino acid residue is found in multiple mammalian species, which suggests that this missense change does not adversely affect protein function. This variant has not been reported in the literature in individuals affected with ICOSLG-related conditions. This variant is not present in population databases (gnomAD no frequency). This sequence change replaces serine, which is neutral and polar, with asparagine, which is neutral and polar, at codon 148 of the ICOSLG protein (p.Ser148Asn).

NM_015259.6(ICOSLG):c.443G>A (p.Ser148Asn)

Gene: ICOSLG (inducible T cell costimulator ligand; minus strand). Cytogenetic location: 21q22.3.
Variant type: single nucleotide variant.
Coding change: c.443G>A on transcript NM_015259.6 (MANE Select); coding-DNA position 443, G replaced by A.
Protein change: p.Ser148Asn; replaces serine 148 with asparagine.
Molecular consequence: missense variant.
Genome position (GRCh38, 1-based): chr21:44,235,526, C>T on the plus strand (G>A on the coding strand, the complement: ICOSLG is on the minus strand). VCF-style: chr21-44235526-C-T. GRCh37 (hg19) VCF-style: chr21-45655409-C-T.
Other names: c.443G>A, p.Ser148Asn (NM_001283050.2, NM_001395918.1); c.92G>A, p.Ser31Asn (NM_001283051.2); c.188G>A, p.Ser63Asn (NM_001283052.2); c.362G>A, p.Ser121Asn (NM_001365759.2); short protein forms S63N, S121N, S148N, S31N.
Identifiers: ClinVar variation 2008072 (VCV002008072.4), dbSNP rs2517846174, ClinGen allele CA410615274.
Genomic context (GRCh38, chr21:44,235,526, plus strand): 5'-TTGGGCCTGGGGTAGCCGTTTATGGATGTACACGTGAAGGTGAGCTCATCCTGGGAGGGG[C>T]TGTGGGGGGCGCTGACGACGGGCACGCTGAAGTTTGCTGCAGGGGAGGGAAACAGATTGT-3'
Protein context (NP_056074.1, residues 138-158): FSVPVVSAPH[Ser148Asn]PSQDELTFTC